The following is an entry in ClinVar:

NM_003072.5(SMARCA4):c.4077T>A (p.Cys1359Ter)

Gene: SMARCA4 (SWI/SNF related BAF chromatin remodeling complex subunit ATPase 4; plus strand). Cytogenetic location: 19p13.2.
Variant type: single nucleotide variant.
Coding change: c.4077T>A on transcript NM_003072.5 (MANE Select); coding-DNA position 4077, T replaced by A.
Protein change: p.Cys1359Ter; replaces cysteine 1359 with a stop codon.
Molecular consequence: nonsense. On other transcripts: non-coding transcript variant (1).
Genome position (GRCh38, 1-based): chr19:11,035,039, T>A. VCF-style: chr19-11035039-T-A. GRCh37 (hg19) VCF-style: chr19-11145715-T-A.
Other names: c.4077T>A, p.Cys1359Ter (NM_001128844.3, NM_001128849.3, NM_001387283.1); c.3978T>A, p.Cys1326Ter (NM_001128845.2, NM_001128846.2, NM_001128847.4 and 2 more transcripts); short protein forms C1326*, C1359*.
Identifiers: ClinVar variation 1073889 (VCV001073889.7), dbSNP rs2146700981, ClinGen allele CA404068263.

ClinVar aggregate classification (germline): Pathogenic (1 of 4 stars; one submission).

Conditions:
Rhabdoid tumor predisposition syndrome 2 (RTPS2). Identifiers: Orphanet 231108, Orphanet 69077, MedGen C2750074, MONDO:0013224, OMIM 613325.

Submission:

Labcorp Genetics (formerly Invitae), Labcorp
Classification: Pathogenic for Rhabdoid tumor predisposition syndrome 2. Last evaluated: 2020-10-08. Review status: criteria provided, single submitter. Criteria: Invitae Variant Classification Sherloc (09022015). Collection method: clinical testing. Allele origin: germline.
Comment: For these reasons, this variant has been classified as Pathogenic. Loss-of-function variants in SMARCA4 are known to be pathogenic (PMID: 24658001, 24658002). This variant has not been reported in the literature in individuals with SMARCA4-related conditions. This variant is not present in population databases (ExAC no frequency). This sequence change creates a premature translational stop signal (p.Cys1359*) in the SMARCA4 gene. It is expected to result in an absent or disrupted protein product.

Literature cited by the submitters: PubMed 24658001; PubMed 24658002.